The following is an entry in ClinVar:

NM_003791.4(MBTPS1):c.1517A>C (p.Tyr506Ser)

Gene: MBTPS1 (membrane bound transcription factor peptidase, site 1; minus strand). Cytogenetic location: 16q23.3.
Variant type: single nucleotide variant.
Coding change: c.1517A>C on transcript NM_003791.4 (MANE Select); coding-DNA position 1517, A replaced by C.
Protein change: p.Tyr506Ser; replaces tyrosine 506 with serine.
Molecular consequence: missense variant.
Genome position (GRCh38, 1-based): chr16:84,074,673, T>G on the plus strand (A>C on the coding strand, the complement: MBTPS1 is on the minus strand). VCF-style: chr16-84074673-T-G. GRCh37 (hg19) VCF-style: chr16-84108278-T-G.
Other names: short protein forms Y506S.
Identifiers: ClinVar variation 2413976 (VCV002413976.4), dbSNP rs200315038, ClinGen allele CA285454356.
Genomic context (GRCh38, chr16:84,074,673, plus strand): 5'-CCTGTGACTCCCATGCCGTTGAGGATGGTGACATTAACAACTGTCGGCATTCCTCCATAG[T>G]AGATGGGCTGGGAGCAGTAGGGCCACATGTAGGGACACTCAGTCAGATCTATGTAGCTGG-3'
Protein context (NP_003782.1, residues 496-516): YMWPYCSQPI[Tyr506Ser]YGGMPTVVNV

ClinVar aggregate classification (germline): Uncertain significance (1 of 4 stars; one submission).

Allele frequency attached by ClinVar (database versions not stated): gnomAD 0.00001.

Submission:

Labcorp Genetics (formerly Invitae), Labcorp
Classification: Uncertain significance. Last evaluated: 2022-07-26. Review status: criteria provided, single submitter. Criteria: Invitae Variant Classification Sherloc (09022015). Collection method: clinical testing. Allele origin: germline.
Comment: This variant is not present in population databases (gnomAD no frequency). In summary, the available evidence is currently insufficient to determine the role of this variant in disease. Therefore, it has been classified as a Variant of Uncertain Significance. Algorithms developed to predict the effect of missense changes on protein structure and function are either unavailable or do not agree on the potential impact of this missense change (SIFT: "Deleterious"; PolyPhen-2: "Probably Damaging"; Align-GVGD: "Class C0"). This variant has not been reported in the literature in individuals affected with MBTPS1-related conditions. This sequence change replaces tyrosine, which is neutral and polar, with serine, which is neutral and polar, at codon 506 of the MBTPS1 protein (p.Tyr506Ser).